The following is an entry in ClinVar:

NM_000097.7(CPOX):c.661C>T (p.Gln221Ter)

Gene: CPOX (coproporphyrinogen oxidase; minus strand). Cytogenetic location: 3q11.2.
Variant type: single nucleotide variant.
Coding change: c.661C>T on transcript NM_000097.7 (MANE Select); coding-DNA position 661, C replaced by T.
Protein change: p.Gln221Ter; replaces glutamine 221 with a stop codon.
Molecular consequence: nonsense.
Genome position (GRCh38, 1-based): chr3:98,591,051, G>A on the plus strand (C>T on the coding strand, the complement: CPOX is on the minus strand). VCF-style: chr3-98591051-G-A. GRCh37 (hg19) VCF-style: chr3-98309895-G-A.
Other names: short protein forms Q221*.
Identifiers: ClinVar variation 3894555 (VCV003894555.1).

ClinVar aggregate classification (germline): Pathogenic (1 of 4 stars; one submission).

Conditions:
Hereditary coproporphyria (HCP). Also called: COPROPORPHYRINOGEN OXIDASE DEFICIENCY; CPO DEFICIENCY; CPOX DEFICIENCY; CPX DEFICIENCY; Hereditary coproporphyria porphyria; Porphyria hepatica coproporphyria. Identifiers: Orphanet 79273, MedGen C0162531, MONDO:0007369, OMIM 121300.

gnomAD v4.1: 1 of 1,614,050 alleles (0.000062%); highest among the groups gnomAD compares: Admixed American, 0.0017%; no homozygotes.

Submission:

MVZ Medizinische Genetik Mainz
Classification: Pathogenic for Hereditary coproporphyria. Last evaluated: 2025-03-19. Review status: criteria provided, single submitter. Criteria: UK Practice Guidelines For Variant Classification V4 01 2020. Collection method: clinical testing. Allele origin: germline. Inheritance: Autosomal dominant inheritance. Affected: yes. Observed: 1 variant allele.
Comment: ACMG Criteria: PVS1,PM2_SUP,PP4